The following is an entry in ClinVar:

ClinVar aggregate classification (germline): Uncertain significance. Review status: criteria provided, multiple submitters, no conflicts (2 of 4 stars). 2 submissions from 2 submitters: Uncertain significance (2). Last evaluated 2026-01-25.

Conditions:
Hypertrophic cardiomyopathy. Also called: HYPERTROPHIC MYOCARDIOPATHY. Identifiers: Orphanet 217569, MedGen C0007194, MeSH D002312, MONDO:0005045, HP:0001639.

Allele frequency attached by ClinVar (database versions not stated): gnomAD 0.00005; gnomAD exomes 0.00006; ESP Exome Variant Server 0.00008; TOPMed 0.00008; ExAC 0.00009.
gnomAD v4.1: 108 of 1,613,746 alleles (0.0067%); highest among the groups gnomAD compares: Middle Eastern, 0.033%; no homozygotes.

Submissions (2):

Labcorp Genetics (formerly Invitae), Labcorp
Classification: Uncertain significance for Hypertrophic cardiomyopathy. Last evaluated: 2026-01-25. Review status: criteria provided, single submitter. Criteria: Invitae Variant Classification Sherloc (09022015). Collection method: clinical testing. Allele origin: germline.
Comment: This sequence change replaces arginine, which is basic and polar, with tryptophan, which is neutral and slightly polar, at codon 351 of the MYOM1 protein (p.Arg351Trp). This variant is present in population databases (rs375848036, gnomAD 0.01%). This variant has not been reported in the literature in individuals affected with MYOM1-related conditions. ClinVar contains an entry for this variant (Variation ID: 410249). Invitae Evidence Modeling of protein sequence and biophysical properties (such as structural, functional, and spatial information, amino acid conservation, physicochemical variation, residue mobility, and thermodynamic stability) indicates that this missense variant is not expected to disrupt MYOM1 protein function with a negative predictive value of 80%. In summary, the available evidence is currently insufficient to determine the role of this variant in disease. Therefore, it has been classified as a Variant of Uncertain Significance.

Center for Genomics, Ann and Robert H. Lurie Children's Hospital of Chicago
Classification: Uncertain significance. Last evaluated: 2021-03-30. Review status: criteria provided, single submitter. Criteria: ACMG Guidelines, 2015. Collection method: clinical testing. Allele origin: germline.
Comment: MYOM1 NM_003803.3 exon 7 p.Arg351Trp (c.1052C>T): This variant has not been reported in the literature and is present in 0.009% (11/112824) of European alleles in the Genome Aggregation Database. This variant is present in ClinVar (Variation ID:410249). Evolutionary conservation and computational predictive tools suggest that this variant may impact the protein. In summary, data on this variant is insufficient for disease classification. Therefore, the clinical significance of this variant is uncertain.

NM_003803.4(MYOM1):c.1051C>T (p.Arg351Trp)

Gene: MYOM1 (myomesin 1; minus strand). Cytogenetic location: 18p11.31.
Variant type: single nucleotide variant.
Coding change: c.1051C>T on transcript NM_003803.4 (MANE Select); coding-DNA position 1051, C replaced by T.
Protein change: p.Arg351Trp; replaces arginine 351 with tryptophan.
Molecular consequence: missense variant.
Genome position (GRCh38, 1-based): chr18:3,174,180, G>A on the plus strand (C>T on the coding strand, the complement: MYOM1 is on the minus strand). VCF-style: chr18-3174180-G-A. GRCh37 (hg19) VCF-style: chr18-3174178-G-A.
Other names: c.1051C>T, p.Arg351Trp (NM_019856.2); short protein forms R351W.
Identifiers: ClinVar variation 410249 (VCV000410249.9), dbSNP rs375848036, ClinGen allele CA8875076.